The following is an entry in ClinVar:

ClinVar aggregate classification (germline): Likely benign. Review status: criteria provided, multiple submitters, no conflicts (2 of 4 stars). 4 submissions from 4 submitters: Likely benign (3). 1 of the submissions does not count toward it. Last evaluated 2024-02-17.

Conditions:
TBK1-related disorder. Also called: TBK1-related condition.
Frontotemporal dementia and/or amyotrophic lateral sclerosis 4. Also called: FTDALS4. Identifiers: Orphanet 275872, MedGen C4225325, MONDO:0014641, OMIM 616439.

Allele frequency attached by ClinVar (database versions not stated): gnomAD 0.00003; gnomAD exomes 0.00008 and 0.00018; ExAC 0.00020.
gnomAD v4.1: 117 of 1,593,418 alleles (0.0073%); highest among the groups gnomAD compares: South Asian, 0.13%; 1 homozygote.

Submissions (4):

Labcorp Genetics (formerly Invitae), Labcorp
Classification: Likely benign for Frontotemporal dementia and/or amyotrophic lateral sclerosis 4. Last evaluated: 2024-02-17. Review status: criteria provided, single submitter. Criteria: Invitae Variant Classification Sherloc (09022015). Collection method: clinical testing. Allele origin: germline.

Blueprint Genetics
Classification: Likely benign. Last evaluated: 2023-07-14. Review status: criteria provided, single submitter. Criteria: ACMG Guidelines, 2015. Collection method: clinical testing. Allele origin: germline.

Breakthrough Genomics
Classification: Likely benign. Review status: criteria provided, single submitter. Criteria: ACMG Guidelines, 2015. Collection method: not provided. Allele origin: germline. Inheritance: Autosomal dominant inheritance. Affected: yes.

PreventionGenetics, part of Exact Sciences
Classification: Likely benign for TBK1-related condition. Last evaluated: 2023-04-10. Review status: no assertion criteria provided. Collection method: clinical testing. Allele origin: germline. Not counted in ClinVar's aggregate classification.
Comment: This variant is classified as likely benign based on ACMG/AMP sequence variant interpretation guidelines (Richards et al. 2015 PMID: 25741868, with internal and published modifications).

NM_013254.4(TBK1):c.1865A>G (p.Lys622Arg)

Gene: TBK1 (TANK binding kinase 1; plus strand). Cytogenetic location: 12q14.2.
Variant type: single nucleotide variant.
Coding change: c.1865A>G on transcript NM_013254.4 (MANE Select); coding-DNA position 1865, A replaced by G.
Protein change: p.Lys622Arg; replaces lysine 622 with arginine.
Molecular consequence: missense variant.
Genome position (GRCh38, 1-based): chr12:64,497,165, A>G. VCF-style: chr12-64497165-A-G. GRCh37 (hg19) VCF-style: chr12-64890945-A-G.
Other names: c.1865A>G (NM_013254.3); short protein forms K622R.
Identifiers: ClinVar variation 1080246 (VCV001080246.13), dbSNP rs199605037, ClinGen allele CA6669187.